The following is an entry in ClinVar:

ClinVar aggregate classification (germline): Uncertain significance (1 of 4 stars; one submission).

Submission:

Ambry Genetics
Classification: Uncertain significance. Last evaluated: 2026-03-30. Review status: criteria provided, single submitter. Criteria: Ambry Variant Classification Scheme 2023. Collection method: clinical testing. Allele origin: germline.
Comment: The p.A98E variant (also known as c.293C>A), located in coding exon 1 of the EGLN1 gene, results from a C to A substitution at nucleotide position 293. The alanine at codon 98 is replaced by glutamic acid, an amino acid with dissimilar properties. This amino acid position is conserved. In addition, this alteration is predicted to be tolerated by in silico analysis. Based on the available evidence, the clinical significance of this variant remains unclear.

NM_022051.3(EGLN1):c.293C>A (p.Ala98Glu)

Gene: EGLN1 (egl-9 family hypoxia inducible factor 1; minus strand). Cytogenetic location: 1q42.2.
Variant type: single nucleotide variant.
Coding change: c.293C>A on transcript NM_022051.3 (MANE Select); coding-DNA position 293, C replaced by A.
Protein change: p.Ala98Glu; replaces alanine 98 with glutamic acid.
Molecular consequence: missense variant.
Genome position (GRCh38, 1-based): chr1:231,421,596, G>T on the plus strand (C>A on the coding strand, the complement: EGLN1 is on the minus strand). VCF-style: chr1-231421596-G-T. GRCh37 (hg19) VCF-style: chr1-231557342-G-T.
Other names: c.293C>A, p.Ala98Glu (NM_001377260.1, NM_001377261.1); short protein forms A98E.
Identifiers: ClinVar variation 4870312 (VCV004870312.1).